The following is an entry in ClinVar:

ClinVar aggregate classification (germline): Uncertain significance (1 of 4 stars; one submission).

Conditions:
Charcot-Marie-Tooth disease type 2. Also called: Charcot-Marie-Tooth type 2. Identifiers: Orphanet 64746, MedGen C0270914, MONDO:0018993.

Submission:

Labcorp Genetics (formerly Invitae), Labcorp
Classification: Uncertain significance for Charcot-Marie-Tooth disease type 2. Last evaluated: 2021-01-03. Review status: criteria provided, single submitter. Criteria: Invitae Variant Classification Sherloc (09022015). Collection method: clinical testing. Allele origin: germline.
Comment: In summary, the available evidence is currently insufficient to determine the role of this variant in disease. Therefore, it has been classified as a Variant of Uncertain Significance. Algorithms developed to predict the effect of missense changes on protein structure and function are either unavailable or do not agree on the potential impact of this missense change (SIFT: "Deleterious"; PolyPhen-2: "Possibly Damaging"; Align-GVGD: "Class C0"). This variant has not been reported in the literature in individuals with LMNA-related conditions. This variant is not present in population databases (ExAC no frequency). This sequence change replaces cysteine with tyrosine at codon 522 of the LMNA protein (p.Cys522Tyr). The cysteine residue is highly conserved and there is a large physicochemical difference between cysteine and tyrosine.

NM_170707.4(LMNA):c.1565G>A (p.Cys522Tyr)

Gene: LMNA (lamin A/C; plus strand). Cytogenetic location: 1q22.
Variant type: single nucleotide variant.
Coding change: c.1565G>A on transcript NM_170707.4 (MANE Select); coding-DNA position 1565, G replaced by A.
Protein change: p.Cys522Tyr; replaces cysteine 522 with tyrosine.
Molecular consequence: missense variant.
Genome position (GRCh38, 1-based): chr1:156,137,189, G>A. VCF-style: chr1-156137189-G-A. GRCh37 (hg19) VCF-style: chr1-156106980-G-A.
Other names: c.1229G>A, p.Cys410Tyr (NM_001257374.3); c.1322G>A, p.Cys441Tyr (NM_001282624.2); c.1565G>A, p.Cys522Tyr (NM_001282625.2, NM_001282626.2, NM_005572.4 and 1 more transcripts); short protein forms C410Y, C441Y, C522Y.
Identifiers: ClinVar variation 1500031 (VCV001500031.8), dbSNP rs1553266145, ClinGen allele CA342823385.